The following is an entry in ClinVar:

NM_000074.3(CD40LG):c.122T>C (p.Leu41Pro)

Gene: CD40LG (CD40 ligand; plus strand). Cytogenetic location: Xq26.3.
Variant type: single nucleotide variant.
Coding change: c.122T>C on transcript NM_000074.3 (MANE Select); coding-DNA position 122, T replaced by C.
Protein change: p.Leu41Pro; replaces leucine 41 with proline.
Molecular consequence: missense variant.
Genome position (GRCh38, 1-based): chrX:136,648,370, T>C. VCF-style: chrX-136648370-T-C. GRCh37 (hg19) VCF-style: chrX-135730529-T-C.
Other names: short protein forms L41P.
Identifiers: ClinVar variation 1063116 (VCV001063116.9), dbSNP rs2148550578, ClinGen allele CA414752158.

ClinVar aggregate classification (germline): Uncertain significance (1 of 4 stars; one submission).

Conditions:
Hyper-IgM syndrome type 1. Also called: CD40 Ligand Deficiency; X-linked hyper-IgM syndrome; Immunodeficiency, X-linked, with hyper-IgM; Hyper-IgM Immunodeficiency Syndrome, Type 1. Identifiers: Orphanet 101088, MedGen C0398689, MONDO:0010626, OMIM 308230.

Submission:

Labcorp Genetics (formerly Invitae), Labcorp
Classification: Uncertain significance for Hyper-IgM syndrome type 1. Last evaluated: 2020-03-17. Review status: criteria provided, single submitter. Criteria: Invitae Variant Classification Sherloc (09022015). Collection method: clinical testing. Allele origin: germline.
Comment: In summary, the available evidence is currently insufficient to determine the role of this variant in disease. Therefore, it has been classified as a Variant of Uncertain Significance. Algorithms developed to predict the effect of missense changes on protein structure and function are either unavailable or do not agree on the potential impact of this missense change (SIFT: "Deleterious"; PolyPhen-2: "Benign"; Align-GVGD: "Class C0"). This variant has not been reported in the literature in individuals with CD40LG-related conditions. This variant is not present in population databases (ExAC no frequency). This sequence change replaces leucine with proline at codon 41 of the CD40LG protein (p.Leu41Pro). The leucine residue is highly conserved and there is a moderate physicochemical difference between leucine and proline.